The following is an entry in ClinVar:

NM_001005373.4(LRSAM1):c.1647_1650dup (p.Gln551fs)

Gene: LRSAM1 (leucine rich repeat and sterile alpha motif containing 1; plus strand). Cytogenetic location: 9q33.3.
Variant type: Duplication.
Coding change: c.1647_1650dup on transcript NM_001005373.4 (MANE Select); coding-DNA positions 1647 to 1650, 4 bases duplicated (GATT; older notation c.1647_1650dupGATT).
Protein change: p.Gln551fs; shifts the reading frame from glutamine 551.
Molecular consequence: frameshift variant. On other transcripts: non-coding transcript variant (2), intron variant (1).
Genome position (GRCh38, 1-based): chr9:127,495,367-127,495,370, GATT duplicated; duplicating any 4 consecutive bases within chr9:127,495,366-127,495,370 gives the same sequence; the c. name uses the placement nearest the transcript's 3' end. VCF-style (leftmost placement, unchanged base first): chr9-127495365-C-CTGAT. GRCh37 (hg19) VCF-style: chr9-130257644-C-CTGAT.
Other names: c.1647_1650dup, p.Gln551fs (NM_001005374.4, NM_001384142.1, NM_138361.5); c.1566_1569dup, p.Gln524fs (NM_001190723.3); c.858_861dup, p.Gln288fs (NM_001384144.1); c.1600-597_1600-594dup (NM_001384143.1); short protein forms Q551fs, Q288fs, Q524fs.
Identifiers: ClinVar variation 4722004 (VCV004722004.1).

ClinVar aggregate classification (germline): Pathogenic (1 of 4 stars; one submission).

Conditions:
Charcot-Marie-Tooth disease axonal type 2P. Also called: CHARCOT-MARIE-TOOTH NEUROPATHY, TYPE 2P; Charcot-Marie-Tooth Neuropathy Type 2G; CHARCOT-MARIE-TOOTH DISEASE, AXONAL, TYPE 2G; CMT 2G. Identifiers: Orphanet 300319, Orphanet 99941, MedGen C3280797, MONDO:0013753, OMIM 614436.

Submission:

Labcorp Genetics (formerly Invitae), Labcorp
Classification: Pathogenic for Charcot-Marie-Tooth disease axonal type 2P. Last evaluated: 2025-10-14. Review status: criteria provided, single submitter. Criteria: Invitae Variant Classification Sherloc (09022015). Collection method: clinical testing. Allele origin: germline.
Comment: This sequence change creates a premature translational stop signal (p.Gln551Aspfs*35) in the LRSAM1 gene. It is expected to result in an absent or disrupted protein product. Loss-of-function variants in LRSAM1 are known to be pathogenic (PMID: 20865121, 33414056). This variant is not present in population databases (gnomAD no frequency). This variant has not been reported in the literature in individuals affected with LRSAM1-related conditions. For these reasons, this variant has been classified as Pathogenic.

Literature cited by the submitters: PubMed 20865121; PubMed 33414056.